The following is an entry in ClinVar:

ClinVar aggregate classification (germline): Uncertain significance. Review status: criteria provided, multiple submitters, no conflicts (2 of 4 stars). 3 submissions from 3 submitters: Uncertain significance (3). Last evaluated 2023-08-27.

Conditions:
Hereditary cancer-predisposing syndrome. Also called: Neoplastic Syndromes, Hereditary; Tumor predisposition; Hereditary Cancer Syndrome; Hereditary neoplastic syndrome. Identifiers: Orphanet 140162, MedGen C0027672, MeSH D009386, MONDO:0015356.
Familial cancer of breast. Also called: hereditary breast carcinoma; Hereditary breast cancer; BREAST CANCER, FAMILIAL. Identifiers: Orphanet 227535, MedGen C0346153, MONDO:0016419, OMIM 114480. Disease mechanism: loss of function.

Submissions (3):

Labcorp Genetics (formerly Invitae), Labcorp
Classification: Uncertain significance for Familial cancer of breast. Last evaluated: 2023-08-27. Review status: criteria provided, single submitter. Criteria: Invitae Variant Classification Sherloc (09022015). Collection method: clinical testing. Allele origin: germline.
Comment: In summary, the available evidence is currently insufficient to determine the role of this variant in disease. Therefore, it has been classified as a Variant of Uncertain Significance. Algorithms developed to predict the effect of missense changes on protein structure and function output the following: SIFT: "Not Available"; PolyPhen-2: "Benign"; Align-GVGD: "Not Available". The tyrosine amino acid residue is found in multiple mammalian species, which suggests that this missense change does not adversely affect protein function. ClinVar contains an entry for this variant (Variation ID: 649969). This variant has not been reported in the literature in individuals affected with CHEK2-related conditions. This variant is not present in population databases (gnomAD no frequency). This sequence change replaces histidine, which is basic and polar, with tyrosine, which is neutral and polar, at codon 430 of the CHEK2 protein (p.His430Tyr).

Ambry Genetics
Classification: Uncertain significance for Hereditary cancer-predisposing syndrome. Last evaluated: 2023-03-07. Review status: criteria provided, single submitter. Criteria: Ambry Variant Classification Scheme 2023. Collection method: clinical testing. Allele origin: germline.
Comment: The p.H430Y variant (also known as c.1288C>T), located in coding exon 11 of the CHEK2 gene, results from a C to T substitution at nucleotide position 1288. The histidine at codon 430 is replaced by tyrosine, an amino acid with similar properties. This amino acid position is not well conserved in available vertebrate species. In addition, this alteration is predicted to be tolerated by in silico analysis. Since supporting evidence is limited at this time, the clinical significance of this alteration remains unclear.

Women's Health and Genetics/Laboratory Corporation of America, LabCorp
Classification: Uncertain significance. Last evaluated: 2019-07-18. Review status: criteria provided, single submitter. Criteria: LabCorp Variant Classification Summary - May 2015. Collection method: clinical testing. Allele origin: germline.
Comment: Variant summary: CHEK2 c.1288C>T (p.His430Tyr) results in a conservative amino acid change located in the Protein kinase domain (IPR000719) of the encoded protein sequence. Four of five in-silico tools predict a benign effect of the variant on protein function. The variant was absent in 250846 control chromosomes (gnomAD). The available data on variant occurrences in the general population are insufficient to allow any conclusion about variant significance. To our knowledge, no occurrence of c.1288C>T in individuals affected with Hereditary Breast and Ovarian Cancer and no experimental evidence demonstrating its impact on protein function have been reported. No clinical diagnostic laboratories have submitted clinical-significance assessments for this variant to ClinVar after 2014. Based on the evidence outlined above, the variant was classified as uncertain significance.

NM_007194.4(CHEK2):c.1288C>T (p.His430Tyr)

Gene: CHEK2 (checkpoint kinase 2; minus strand). Cytogenetic location: 22q12.1.
Variant type: single nucleotide variant.
Coding change: c.1288C>T on transcript NM_007194.4 (MANE Select); coding-DNA position 1288, C replaced by T.
Protein change: p.His430Tyr; replaces histidine 430 with tyrosine.
Molecular consequence: missense variant.
Genome position (GRCh38, 1-based): chr22:28,695,214, G>A on the plus strand (C>T on the coding strand, the complement: CHEK2 is on the minus strand). VCF-style: chr22-28695214-G-A. GRCh37 (hg19) VCF-style: chr22-29091202-G-A.
Other names: c.625C>T, p.His209Tyr (NM_001257387.3); c.1087C>T, p.His363Tyr (NM_001349956.3); c.1201C>T, p.His401Tyr (NM_145862.3); c.1417C>T, p.His473Tyr (NM_001005735.3); short protein forms H401Y, H430Y, H473Y, H209Y, H363Y.
Identifiers: ClinVar variation 649969 (VCV000649969.13), dbSNP rs1601719955, ClinGen allele CA411096216.
Genomic context (GRCh38, chr22:28,695,214, plus strand): 5'-CAGGAATGAAGTTGTATTTTCCACTGGTGATCTGATCCTTCAGTGACACTTGAGTCCTAT[G>A]CTCAGAGAAAGGTGGATACCCACTAAGGCTTAATATTGGTAGAGAGAGAAAGGAAAAGAA-3'
Protein context (NP_009125.1, residues 420-440): CLSGYPPFSE[His430Tyr]RTQVSLKDQI